The following is an entry in ClinVar:

NM_152564.5(VPS13B):c.723A>G (p.Thr241=)

Gene: VPS13B (vacuolar protein sorting 13 homolog B; plus strand). Cytogenetic location: 8q22.2.
Variant type: single nucleotide variant.
Coding change: c.723A>G on transcript NM_152564.5 (MANE Select); coding-DNA position 723, A replaced by G.
Protein change: p.Thr241=; no amino-acid change (threonine 241 retained).
Molecular consequence: synonymous variant. On other transcripts: non-coding transcript variant (1).
Genome position (GRCh38, 1-based): chr8:99,111,240, A>G. VCF-style: chr8-99111240-A-G. GRCh37 (hg19) VCF-style: chr8-100123468-A-G.
Other names: c.723A>G, p.Thr241= (NM_015243.3, NM_017890.5, NM_181661.3); c.723A>G (NM_152564.4).
Identifiers: ClinVar variation 588975 (VCV000588975.55), dbSNP rs778049327, ClinGen allele CA4822454.

ClinVar aggregate classification (germline): Likely benign. Review status: criteria provided, multiple submitters, no conflicts (2 of 4 stars). 4 submissions from 4 submitters: Likely benign (3). 1 of the submissions does not count toward it. Last evaluated 2026-01-26.

Conditions:
Cohen syndrome (COH1). Also called: Cutis verticis gyrata, retinitis pigmentosa, and sensorineural deafness; PEPPER SYNDROME. Identifiers: Orphanet 193, MedGen C0265223, MONDO:0008999, OMIM 216550.
VPS13B-related disorder. Also called: VPS13B-related condition.
Inborn genetic diseases. Identifiers: MedGen C0950123, MeSH D030342.

Allele frequency attached by ClinVar (database versions not stated): gnomAD 0.00003; TOPMed 0.00010; ExAC 0.00020.
gnomAD v4.1: 62 of 1,603,158 alleles (0.0039%); highest among the groups gnomAD compares: Admixed American, 0.1%; no homozygotes.

Submissions (4):

Labcorp Genetics (formerly Invitae), Labcorp
Classification: Likely benign for Cohen syndrome. Last evaluated: 2026-01-26. Review status: criteria provided, single submitter. Criteria: Invitae Variant Classification Sherloc (09022015). Collection method: clinical testing. Allele origin: germline.

Blueprint Genetics
Classification: Likely benign. Last evaluated: 2022-09-01. Review status: criteria provided, single submitter. Criteria: ACMG Guidelines, 2015. Collection method: clinical testing. Allele origin: germline.

Ambry Genetics
Classification: Likely benign for Inborn genetic diseases. Last evaluated: 2017-04-19. Review status: criteria provided, single submitter. Criteria: Ambry Variant Classification Scheme 2023. Collection method: clinical testing. Allele origin: germline.

PreventionGenetics, part of Exact Sciences
Classification: Likely benign for VPS13B-related condition. Last evaluated: 2022-02-07. Review status: no assertion criteria provided. Collection method: clinical testing. Allele origin: germline. Not counted in ClinVar's aggregate classification.
Comment: This variant is classified as likely benign based on ACMG/AMP sequence variant interpretation guidelines (Richards et al. 2015 PMID: 25741868, with internal and published modifications).